The following is an entry in ClinVar:

ClinVar aggregate classification (germline): Uncertain significance. Review status: criteria provided, multiple submitters, no conflicts (2 of 4 stars). 3 submissions from 3 submitters: Uncertain significance (2). 1 of the submissions does not count toward it. Last evaluated 2024-05-08.

Conditions:
Cystic fibrosis (CF). Also called: MUCOVISCIDOSIS. Identifiers: Orphanet 586, MedGen C0010674, MONDO:0009061, OMIM 219700. Disease mechanism: loss of function.
CFTR-related disorder (CFTR-RD). Also called: CFTR-related condition; CFTR-related disorders. Identifiers: MedGen C5924204, MONDO:7770004.

Submissions (3):

Labcorp Genetics (formerly Invitae), Labcorp
Classification: Uncertain significance for Cystic fibrosis. Last evaluated: 2024-05-08. Review status: criteria provided, single submitter. Criteria: Invitae Variant Classification Sherloc (09022015). Collection method: clinical testing. Allele origin: germline.
Comment: This sequence change replaces glutamic acid, which is acidic and polar, with glycine, which is neutral and non-polar, at codon 257 of the CFTR protein (p.Glu257Gly). This variant is not present in population databases (gnomAD no frequency). This variant has not been reported in the literature in individuals affected with CFTR-related conditions. ClinVar contains an entry for this variant (Variation ID: 1760251). Advanced modeling of protein sequence and biophysical properties (such as structural, functional, and spatial information, amino acid conservation, physicochemical variation, residue mobility, and thermodynamic stability) performed at Invitae indicates that this missense variant is expected to disrupt CFTR protein function with a positive predictive value of 80%. In summary, the available evidence is currently insufficient to determine the role of this variant in disease. Therefore, it has been classified as a Variant of Uncertain Significance.

Ambry Genetics
Classification: Uncertain significance for Cystic fibrosis. Last evaluated: 2021-12-03. Review status: criteria provided, single submitter. Criteria: Ambry Variant Classification Scheme 2023. Collection method: clinical testing. Allele origin: germline.
Comment: The p.E257G variant (also known as c.770A>G), located in coding exon 7 of the CFTR gene, results from an A to G substitution at nucleotide position 770. The glutamic acid at codon 257 is replaced by glycine, an amino acid with similar properties. This amino acid position is well conserved in available vertebrate species. In addition, the in silico prediction for this alteration is inconclusive. Since supporting evidence is limited at this time, the clinical significance of this alteration remains unclear.

PreventionGenetics, part of Exact Sciences
Classification: Uncertain significance for CFTR-related condition. Last evaluated: 2024-09-25. Review status: no assertion criteria provided. Collection method: clinical testing. Allele origin: germline. Not counted in ClinVar's aggregate classification.
Comment: The CFTR c.770A>G variant is predicted to result in the amino acid substitution p.Glu257Gly. To our knowledge, this variant has not been reported in the literature or in a large population database, indicating this variant is rare. At this time, the clinical significance of this variant is uncertain due to the absence of conclusive functional and genetic evidence.

NM_000492.4(CFTR):c.770A>G (p.Glu257Gly)

Gene: CFTR (CF transmembrane conductance regulator; plus strand). Cytogenetic location: 7q31.2.
Variant type: single nucleotide variant.
Coding change: c.770A>G on transcript NM_000492.4 (MANE Select); coding-DNA position 770, A replaced by G.
Protein change: p.Glu257Gly; replaces glutamic acid 257 with glycine.
Molecular consequence: missense variant.
Genome position (GRCh38, 1-based): chr7:117,536,574, A>G. VCF-style: chr7-117536574-A-G. GRCh37 (hg19) VCF-style: chr7-117176628-A-G.
Other names: short protein forms E257G.
Identifiers: ClinVar variation 1760251 (VCV001760251.7), dbSNP rs761102525, ClinGen allele CA368977372.